The following is an entry in ClinVar:

ClinVar aggregate classification (germline): Uncertain significance (1 of 4 stars; one submission).

Submission:

Labcorp Genetics (formerly Invitae), Labcorp
Classification: Uncertain significance. Last evaluated: 2023-03-09. Review status: criteria provided, single submitter. Criteria: Invitae Variant Classification Sherloc (09022015). Collection method: clinical testing. Allele origin: germline.
Comment: Advanced modeling of protein sequence and biophysical properties (such as structural, functional, and spatial information, amino acid conservation, physicochemical variation, residue mobility, and thermodynamic stability) performed at Invitae indicates that this missense variant is expected to disrupt KCNV2 protein function. In summary, the available evidence is currently insufficient to determine the role of this variant in disease. Therefore, it has been classified as a Variant of Uncertain Significance. This sequence change replaces phenylalanine, which is neutral and non-polar, with serine, which is neutral and polar, at codon 151 of the KCNV2 protein (p.Phe151Ser). This variant is not present in population databases (gnomAD no frequency). This variant has not been reported in the literature in individuals affected with KCNV2-related conditions.

NM_133497.4(KCNV2):c.452T>C (p.Phe151Ser)

Gene: KCNV2 (potassium voltage-gated channel modifier subfamily V member 2; plus strand). Cytogenetic location: 9p24.2.
Variant type: single nucleotide variant.
Coding change: c.452T>C on transcript NM_133497.4 (MANE Select); coding-DNA position 452, T replaced by C.
Protein change: p.Phe151Ser; replaces phenylalanine 151 with serine.
Molecular consequence: missense variant.
Genome position (GRCh38, 1-based): chr9:2,718,191, T>C. VCF-style: chr9-2718191-T-C. GRCh37 (hg19) VCF-style: chr9-2718191-T-C.
Other names: short protein forms F151S.
Identifiers: ClinVar variation 2844267 (VCV002844267.3), dbSNP rs2536971661, ClinGen allele CA372797064.
Genomic context (GRCh38, chr9:2,718,191, plus strand): 5'-GCCGCAGCCGCCAGCTAAGCCTGTGCGACGACTACGAGGAGCAGACAGACGAATACTTCT[T>C]CGACCGCGACCCGGCCGTCTTCCAGCTGGTCTACAATTTCTACCTGTCCGGGGTGCTGCT-3'
Protein context (NP_598004.1, residues 141-161): DYEEQTDEYF[Phe151Ser]DRDPAVFQLV